The following is an entry in ClinVar:

NM_133497.4(KCNV2):c.868G>C (p.Gly290Arg)

Gene: KCNV2 (potassium voltage-gated channel modifier subfamily V member 2; plus strand). Cytogenetic location: 9p24.2.
Variant type: single nucleotide variant.
Coding change: c.868G>C on transcript NM_133497.4 (MANE Select); coding-DNA position 868, G replaced by C.
Protein change: p.Gly290Arg; replaces glycine 290 with arginine.
Molecular consequence: missense variant.
Genome position (GRCh38, 1-based): chr9:2,718,607, G>C. VCF-style: chr9-2718607-G-C. GRCh37 (hg19) VCF-style: chr9-2718607-G-C.
Other names: short protein forms G290R.
Identifiers: ClinVar variation 1957024 (VCV001957024.5), dbSNP rs1819793183, ClinGen allele CA372799745.
Genomic context (GRCh38, chr9:2,718,607, plus strand): 5'-GTGCTCGTCTCCGTGGTGGCGCTGGCGCTCAACACCGTGGAGGAGATGCAGCAGCACTCG[G>C]GGCAGGGCGAGGGCGGCCCAGACCTGCGGCCCATCCTGGAGCACGTGGAGATGCTGTGCA-3'
Protein context (NP_598004.1, residues 280-300): NTVEEMQQHS[Gly290Arg]QGEGGPDLRP

ClinVar aggregate classification (germline): Uncertain significance (1 of 4 stars; one submission).

Allele frequency attached by ClinVar (database versions not stated): TOPMed below 0.00001.
gnomAD v4.1: 2 of 1,612,986 alleles (0.00012%); highest among the groups gnomAD compares: Admixed American, 0.0017%; no homozygotes.

Submission:

Labcorp Genetics (formerly Invitae), Labcorp
Classification: Uncertain significance. Last evaluated: 2022-02-25. Review status: criteria provided, single submitter. Criteria: Invitae Variant Classification Sherloc (09022015). Collection method: clinical testing. Allele origin: germline.
Comment: In summary, the available evidence is currently insufficient to determine the role of this variant in disease. Therefore, it has been classified as a Variant of Uncertain Significance. Advanced modeling of protein sequence and biophysical properties (such as structural, functional, and spatial information, amino acid conservation, physicochemical variation, residue mobility, and thermodynamic stability) performed at Invitae indicates that this missense variant is not expected to disrupt KCNV2 protein function. This variant has not been reported in the literature in individuals affected with KCNV2-related conditions. This variant is not present in population databases (gnomAD no frequency). This sequence change replaces glycine, which is neutral and non-polar, with arginine, which is basic and polar, at codon 290 of the KCNV2 protein (p.Gly290Arg).